The following is an entry in ClinVar:

ClinVar aggregate classification (germline): Pathogenic (1 of 4 stars; one submission).

Conditions:
Cohen syndrome (COH1). Also called: PEPPER SYNDROME; Cutis verticis gyrata, retinitis pigmentosa, and sensorineural deafness. Identifiers: Orphanet 193, MedGen C0265223, MONDO:0008999, OMIM 216550.

Submission:

Labcorp Genetics (formerly Invitae), Labcorp
Classification: Pathogenic for Cohen syndrome. Last evaluated: 2023-06-03. Review status: criteria provided, single submitter. Criteria: Invitae Variant Classification Sherloc (09022015). Collection method: clinical testing. Allele origin: germline.
Comment: This sequence change creates a premature translational stop signal (p.Cys2130*) in the VPS13B gene. It is expected to result in an absent or disrupted protein product. Loss-of-function variants in VPS13B are known to be pathogenic (PMID: 15141358, 16648375, 20461111). For these reasons, this variant has been classified as Pathogenic. ClinVar contains an entry for this variant (Variation ID: 1070680). This variant has not been reported in the literature in individuals affected with VPS13B-related conditions. This variant is not present in population databases (gnomAD no frequency).

Literature cited by the submitters: PubMed 15141358; PubMed 16648375; PubMed 20461111.

NM_152564.5(VPS13B):c.6315C>A (p.Cys2105Ter)

Gene: VPS13B (vacuolar protein sorting 13 homolog B; plus strand). Cytogenetic location: 8q22.2.
Variant type: single nucleotide variant.
Coding change: c.6315C>A on transcript NM_152564.5 (MANE Select); coding-DNA position 6315, C replaced by A.
Protein change: p.Cys2105Ter; replaces cysteine 2105 with a stop codon.
Molecular consequence: nonsense.
Genome position (GRCh38, 1-based): chr8:99,699,793, C>A. VCF-style: chr8-99699793-C-A. GRCh37 (hg19) VCF-style: chr8-100712021-C-A.
Other names: c.6390C>A, p.Cys2130Ter (NM_017890.5); short protein forms C2130*, C2105*.
Identifiers: ClinVar variation 1070680 (VCV001070680.7), dbSNP rs2130181003, ClinGen allele CA371874897.
Genomic context (GRCh38, chr8:99,699,793, plus strand): 5'-TCATGGTGATGGAGTGCAAAAGATTTCAGCTCAAGAAAACATGTGGAGAGCTGTTTCCTG[C>A]TTTCAAAAAATTTCTGTTCAAACTACTCAGATTGTGATCTCCATGGAAACTGTACCCCAT-3'